The following is an entry in ClinVar:

NM_001754.5(RUNX1):c.1252A>G (p.Met418Val)

Gene: RUNX1 (RUNX family transcription factor 1; minus strand). Cytogenetic location: 21q22.12.
Variant type: single nucleotide variant.
Coding change: c.1252A>G on transcript NM_001754.5 (MANE Select); coding-DNA position 1252, A replaced by G.
Protein change: p.Met418Val; replaces methionine 418 with valine.
Molecular consequence: missense variant.
Genome position (GRCh38, 1-based): chr21:34,792,326, T>C on the plus strand (A>G on the coding strand, the complement: RUNX1 is on the minus strand). VCF-style: chr21-34792326-T-C. GRCh37 (hg19) VCF-style: chr21-36164623-T-C.
Other names: NM_001754.5(RUNX1):c.1252A>G; p.Met418Val; c.1171A>G, p.Met391Val (NM_001001890.3); short protein forms M418V, M391V.
Identifiers: ClinVar variation 409820 (VCV000409820.16), dbSNP rs578042376, ClinGen allele CA16616511.

ClinVar aggregate classification (germline): Likely benign. Review status: reviewed by expert panel (3 of 4 stars). 6 submissions from 6 submitters: Likely benign (1). 5 of the submissions do not count toward it. Last evaluated 2024-09-18.

Conditions:
RUNX1-related disorder. Also called: RUNX1-related condition.
Hereditary thrombocytopenia and hematologic cancer predisposition syndrome. Identifiers: Orphanet 71290, MedGen CN281654, MONDO:0011071.
Inborn genetic diseases. Identifiers: MedGen C0950123, MeSH D030342.
Acute myeloid leukemia (AML). Also called: Leukemia, acute myeloid, somatic; Leukemia, acute myelogenous, somatic; Acute myeloid leukemia, adult; AML adult; Acute non-lymphocytic leukemia; Acute granulocytic leukemia. Identifiers: Orphanet 519, MedGen C0023467, MeSH D015470, MONDO:0018874, OMIM 601626, HP:0004808. Disease mechanism: Constitutively activated FLT3.
Hereditary thrombocytopenia and hematological cancer predisposition syndrome associated with RUNX1. Also called: Familial thrombocytopenia with propensity to acute myelogenous leukemia; Familial Platelet Disorder with Propensity to Acute Myelogenous Leukemia; PLATELET DISORDER, ASPIRIN-LIKE; RUNX1 Familial Platelet Disorder with Associated Myeloid Malignancies. Identifiers: Orphanet 71290, MedGen C1832388, MeSH C563324, MONDO:0100083, OMIM 601399.

Allele frequency attached by ClinVar (database versions not stated): gnomAD exomes 0.00001; gnomAD 0.00010; TOPMed 0.00013; 1000 Genomes Project 0.00020.
gnomAD v4.1: 26 of 1,323,802 alleles (0.002%); highest among the groups gnomAD compares: African/African-American, 0.032%; no homozygotes.

Submissions (6):

ClinGen Myeloid Malignancy Variant Curation Expert Panel
Classification: Likely benign for Hereditary thrombocytopenia and hematologic cancer predisposition syndrome. Last evaluated: 2024-09-18. Review status: reviewed by expert panel. Criteria: ClinGen MyeloMalig ACMG Specifications v2. Collection method: curation. Allele origin: germline. Inheritance: Autosomal dominant inheritance.
Comment: NM_001754.5(RUNX1):c.1252A>G (p.Met418Val) is a missense variant. It has a MAF of 0.0001747 (0.01747%, 3/17174, 17174 alleles) in the African/African American population of the gnomAD v2.1.1 cohort (21-36164623-T-C (GRCh37)) and MAF of 0.0003559 (0.03559%, 14/39338, 39338 alleles) in the African/African American population of gnomAD v3.1.2 cohort (21-34792326-T-C (GRCh38)) is between 0.00015 (0.015%) and 0.0015 (0.15%) (BS1). This missense has a REVEL score ≤0.50 (0.140) and SpliceAI score is ≤0.20 (0.00) (BP4). This variant has been reported in two or three probands (2) meeting at least one of the RUNX1-phenotypic criteria, but PS4 can not be applied with BS1 (PS4 not applied). In summary, this variant meets criteria to be classified as likely benign. ACMG/AMP criteria applied, as specified by the Myeloid Malignancy Variant Curation Expert Panel for RUNX1: BS1, BP4.

Labcorp Genetics (formerly Invitae), Labcorp
Classification: Uncertain significance for Hereditary thrombocytopenia and hematological cancer predisposition syndrome associated with RUNX1. Last evaluated: 2025-11-05. Review status: criteria provided, single submitter. Criteria: Invitae Variant Classification Sherloc (09022015). Collection method: clinical testing. Allele origin: germline. Not counted in ClinVar's aggregate classification.
Comment: This sequence change replaces methionine, which is neutral and non-polar, with valine, which is neutral and non-polar, at codon 418 of the RUNX1 protein (p.Met418Val). This variant is present in population databases (rs578042376, gnomAD 0.02%). This variant has not been reported in the literature in individuals affected with RUNX1-related conditions. ClinVar contains an entry for this variant (Variation ID: 409820). Invitae Evidence Modeling of protein sequence and biophysical properties (such as structural, functional, and spatial information, amino acid conservation, physicochemical variation, residue mobility, and thermodynamic stability) has been performed for this missense variant. However, the output from this modeling did not meet the statistical confidence thresholds required to predict the impact of this variant on RUNX1 protein function. In summary, the available evidence is currently insufficient to determine the role of this variant in disease. Therefore, it has been classified as a Variant of Uncertain Significance.

GeneDx
Classification: Uncertain significance. Last evaluated: 2025-01-22. Review status: criteria provided, single submitter. Criteria: GeneDx Variant Classification Process June 2021. Collection method: clinical testing. Allele origin: germline. Affected: yes. Not counted in ClinVar's aggregate classification.
Comment: In silico analysis supports that this missense variant has a deleterious effect on protein structure/function; Observed in the apparent germline of children with T-cell acute lymphoblastic leukemia (PMID: 34166225); This variant is associated with the following publications: (PMID: 34166225)

Ambry Genetics
Classification: Likely benign for Inborn genetic diseases. Last evaluated: 2024-12-19. Review status: criteria provided, single submitter. Criteria: Ambry Variant Classification Scheme 2023. Collection method: clinical testing. Allele origin: germline. Not counted in ClinVar's aggregate classification.

Baylor Genetics
Classification: Likely benign for Acute myeloid leukemia. Last evaluated: 2022-08-31. Review status: criteria provided, single submitter. Criteria: ACMG Guidelines, 2015. Collection method: clinical testing. Allele origin: unknown. Not counted in ClinVar's aggregate classification.

PreventionGenetics, part of Exact Sciences
Classification: Likely benign for RUNX1-related condition. Last evaluated: 2024-03-09. Review status: no assertion criteria provided. Collection method: clinical testing. Allele origin: germline. Not counted in ClinVar's aggregate classification.
Comment: This variant is classified as likely benign based on ACMG/AMP sequence variant interpretation guidelines (Richards et al. 2015 PMID: 25741868, with internal and published modifications).